The following is an entry in ClinVar:

ClinVar aggregate classification (germline): Uncertain significance. Review status: criteria provided, multiple submitters, no conflicts (2 of 4 stars). 2 submissions from 2 submitters: Uncertain significance (2). Last evaluated 2022-11-19.

Conditions:
Inborn genetic diseases. Identifiers: MedGen C0950123, MeSH D030342.

Submissions (2):

Ambry Genetics
Classification: Uncertain significance for Inborn genetic diseases. Last evaluated: 2022-11-19. Review status: criteria provided, single submitter. Criteria: Ambry Variant Classification Scheme 2023. Collection method: clinical testing. Allele origin: germline.

Labcorp Genetics (formerly Invitae), Labcorp
Classification: Uncertain significance. Last evaluated: 2022-06-08. Review status: criteria provided, single submitter. Criteria: Invitae Variant Classification Sherloc (09022015). Collection method: clinical testing. Allele origin: germline.
Comment: This variant is not present in population databases (gnomAD no frequency). This sequence change replaces arginine, which is basic and polar, with leucine, which is neutral and non-polar, at codon 813 of the COL18A1 protein (p.Arg813Leu). This variant has not been reported in the literature in individuals affected with COL18A1-related conditions. In summary, the available evidence is currently insufficient to determine the role of this variant in disease. Therefore, it has been classified as a Variant of Uncertain Significance. Experimental studies and prediction algorithms are not available or were not evaluated, and the functional significance of this variant is currently unknown.

NM_001379500.1(COL18A1):c.2438G>T (p.Arg813Leu)

Gene: COL18A1 (collagen type XVIII alpha 1 chain; plus strand). Cytogenetic location: 21q22.3.
Variant type: single nucleotide variant.
Coding change: c.2438G>T on transcript NM_001379500.1 (MANE Select); coding-DNA position 2438, G replaced by T.
Protein change: p.Arg813Leu; replaces arginine 813 with leucine.
Molecular consequence: missense variant.
Genome position (GRCh38, 1-based): chr21:45,495,362, G>T. VCF-style: chr21-45495362-G-T. GRCh37 (hg19) VCF-style: chr21-46915276-G-T.
Other names: NM_130445.2:c.2438G>T; c.2978G>T, p.Arg993Leu (NM_030582.4); c.3683G>T, p.Arg1228Leu (NM_130444.3); short protein forms R813L, R1228L, R993L.
Identifiers: ClinVar variation 2003359 (VCV002003359.5), dbSNP rs1322668436, ClinGen allele CA410497734.